The following is an entry in ClinVar:

ClinVar aggregate classification (germline): Benign (1 of 4 stars; one submission).

Allele frequency attached by ClinVar (database versions not stated): 1000 Genomes Project 0.13359; ESP Exome Variant Server 0.10818; TOPMed 0.12087; 1000 Genomes Project 30x 0.13242.
gnomAD v4.1: 206,751 of 1,612,636 alleles (13%); highest among the groups gnomAD compares: Admixed American, 22%; 15,636 homozygotes.

Submission:

Laboratory for Molecular Medicine, Mass General Brigham Personalized Medicine
Classification: Benign. Last evaluated: 2016-03-29. Review status: criteria provided, single submitter. Criteria: LMM Criteria. Collection method: clinical testing. Allele origin: germline.
Comment: Variant identified in a genome or exome case(s) and assessed due to predicted null impact of the variant or pathogenic assertions in the literature or databases. Disclaimer: This variant has not undergone full assessment. The following are preliminary notes: MAF

NC_000006.12:g.31764104C>T

Genes: MSH5 (mutS homolog 5; plus strand), MSH5-SAPCD1 (MSH5-SAPCD1 readthrough (NMD candidate); plus strand), SAPCD1 (suppressor APC domain containing 1; plus strand). Cytogenetic location: 6p21.33.
Variant type: single nucleotide variant.
Molecular consequence: missense variant (on NM_001039651.2). On other transcripts: non-coding transcript variant (1).
Genome position: GRCh38 VCF-style: chr6-31764104-C-T. GRCh37 (hg19) VCF-style: chr6-31731881-C-T.
Other names: c.296C>T, p.Pro99Leu (NM_001039651.2); short protein forms P99L.
Identifiers: ClinVar variation 403113 (VCV000403113.5), dbSNP rs6905572, ClinGen allele CA3721746.